The following is an entry in ClinVar:

ClinVar aggregate classification (germline): Uncertain significance (1 of 4 stars; one submission).

Submission:

GeneDx
Classification: Uncertain significance. Last evaluated: 2020-07-08. Review status: criteria provided, single submitter. Criteria: GeneDx Variant Classification Process June 2021. Collection method: clinical testing. Allele origin: germline. Affected: yes.
Comment: Not observed in large population cohorts (Lek et al., 2016); In silico analysis supports that this missense variant has a deleterious effect on protein structure/function; Has not been previously published as pathogenic or benign to our knowledge

NM_030912.3(TRIM8):c.154T>A (p.Cys52Ser)

Genes: TRIM8 (tripartite motif containing 8; plus strand), LOC130004618 (ATAC-STARR-seq lymphoblastoid active region 3941; plus strand). Cytogenetic location: 10q24.32.
Variant type: single nucleotide variant.
Coding change: c.154T>A on transcript NM_030912.3 (MANE Select); coding-DNA position 154, T replaced by A.
Protein change: p.Cys52Ser; replaces cysteine 52 with serine.
Molecular consequence: missense variant. On other transcripts: non-coding transcript variant (1).
Genome position (GRCh38, 1-based): chr10:102,644,771, T>A. VCF-style: chr10-102644771-T-A. GRCh37 (hg19) VCF-style: chr10-104404528-T-A.
Other names: c.154T>A, p.Cys52Ser (NM_001345950.1); short protein forms C52S.
Identifiers: ClinVar variation 1318558 (VCV001318558.2), dbSNP rs2135973674, ClinGen allele CA377924564.